The following is an entry in ClinVar:

NM_001394062.1(MACF1):c.13960C>T (p.Gln4654Ter)

Gene: MACF1 (microtubule actin crosslinking factor 1; plus strand). Cytogenetic location: 1p34.3.
Variant type: single nucleotide variant.
Coding change: c.13960C>T on transcript NM_001394062.1 (MANE Select); coding-DNA position 13960, C replaced by T.
Protein change: p.Gln4654Ter; replaces glutamine 4654 with a stop codon.
Molecular consequence: nonsense.
Genome position (GRCh38, 1-based): chr1:39,385,545, C>T. VCF-style: chr1-39385545-C-T. GRCh37 (hg19) VCF-style: chr1-39851217-C-T.
Other names: c.7774C>T, p.Gln2592Ter (NM_012090.5); short protein forms Q2592*, Q4654*.
Identifiers: ClinVar variation 3364766 (VCV003364766.1).

ClinVar aggregate classification (germline): Uncertain significance (1 of 4 stars; one submission).

Submission:

GeneDx
Classification: Uncertain significance. Last evaluated: 2023-12-11. Review status: criteria provided, single submitter. Criteria: GeneDx Variant Classification Process June 2021. Collection method: clinical testing. Allele origin: germline. Affected: yes.
Comment: Has not been previously published as pathogenic or benign to our knowledge; Nonsense variant predicted to result in protein truncation or nonsense mediated decay in a gene or region of a gene for which loss of function is not a well-established mechanism of disease; Not observed at significant frequency in large population cohorts (gnomAD)